The following is an entry in ClinVar:

ClinVar aggregate classification (germline): Uncertain significance (1 of 4 stars; one submission).

Allele frequency attached by ClinVar (database versions not stated): ESP Exome Variant Server 0.00008; 1000 Genomes Project 0.00020; TOPMed 0.00004; gnomAD exomes 0.00007; ExAC 0.00013; 1000 Genomes Project 30x 0.00016; gnomAD 0.00004.
gnomAD v4.1: 113 of 1,614,226 alleles (0.007%); highest among the groups gnomAD compares: South Asian, 0.044%; 1 homozygote.

Submission:

Ambry Genetics
Classification: Uncertain significance. Last evaluated: 2026-03-19. Review status: criteria provided, single submitter. Criteria: Ambry Variant Classification Scheme 2023. Collection method: clinical testing. Allele origin: germline.
Comment: The c.2671A>G (p.N891D) alteration is located in exon 8 (coding exon 7) of the ADCY9 gene. This alteration results from a A to G substitution at nucleotide position 2671, causing the asparagine (N) at amino acid position 891 to be replaced by an aspartic acid (D). Based on data from gnomAD, the G allele has an overall frequency of 0.011% (30/282818) total alleles studied. The highest observed frequency was 0.065% (20/30616) of South Asian alleles. Based on insufficient or conflicting evidence, the clinical significance of this alteration remains unclear.

NM_001116.4(ADCY9):c.2671A>G (p.Asn891Asp)

Gene: ADCY9 (adenylate cyclase 9; minus strand). Cytogenetic location: 16p13.3.
Variant type: single nucleotide variant.
Coding change: c.2671A>G on transcript NM_001116.4 (MANE Select); coding-DNA position 2671, A replaced by G.
Protein change: p.Asn891Asp; replaces asparagine 891 with aspartic acid.
Molecular consequence: missense variant.
Genome position (GRCh38, 1-based): chr16:3,979,124, T>C on the plus strand (A>G on the coding strand, the complement: ADCY9 is on the minus strand). VCF-style: chr16-3979124-T-C. GRCh37 (hg19) VCF-style: chr16-4029125-T-C.
Other names: short protein forms N891D.
Identifiers: ClinVar variation 3082449 (VCV003082449.2), dbSNP rs372821407, ClinGen allele CA7871255.